The following is an entry in ClinVar:

NM_004211.5(SLC6A5):c.1796G>A (p.Arg599His)

Gene: SLC6A5 (solute carrier family 6 member 5; plus strand). Cytogenetic location: 11p15.1.
Variant type: single nucleotide variant.
Coding change: c.1796G>A on transcript NM_004211.5 (MANE Select); coding-DNA position 1796, G replaced by A.
Protein change: p.Arg599His; replaces arginine 599 with histidine.
Molecular consequence: missense variant.
Genome position (GRCh38, 1-based): chr11:20,637,230, G>A. VCF-style: chr11-20637230-G-A. GRCh37 (hg19) VCF-style: chr11-20658776-G-A.
Other names: c.1094G>A, p.Arg365His (NM_001318369.2); short protein forms R365H, R599H.
Identifiers: ClinVar variation 1904703 (VCV001904703.2), dbSNP rs138885115, ClinGen allele CA5921580.

ClinVar aggregate classification (germline): Uncertain significance (1 of 4 stars; one submission).

Conditions:
Hyperekplexia 3 (HKPX3). Also called: HYPEREKPLEXIA 3, AUTOSOMAL RECESSIVE; HYPEREKPLEXIA 3, AUTOSOMAL DOMINANT. Identifiers: Orphanet 3197, MedGen C3553288, MONDO:0013827, OMIM 614618.

gnomAD v4.1: 28 of 1,613,308 alleles (0.0017%); highest among the groups gnomAD compares: Middle Eastern, 0.017%; no homozygotes.

Submission:

Labcorp Genetics (formerly Invitae), Labcorp
Classification: Uncertain significance for Hyperekplexia 3. Last evaluated: 2021-12-20. Review status: criteria provided, single submitter. Criteria: Invitae Variant Classification Sherloc (09022015). Collection method: clinical testing. Allele origin: germline.
Comment: This sequence change replaces arginine, which is basic and polar, with histidine, which is basic and polar, at codon 599 of the SLC6A5 protein (p.Arg599His). This variant is present in population databases (rs138885115, gnomAD 0.01%). This variant has not been reported in the literature in individuals affected with SLC6A5-related conditions. Advanced modeling of protein sequence and biophysical properties (such as structural, functional, and spatial information, amino acid conservation, physicochemical variation, residue mobility, and thermodynamic stability) performed at Invitae indicates that this missense variant is not expected to disrupt SLC6A5 protein function. In summary, the available evidence is currently insufficient to determine the role of this variant in disease. Therefore, it has been classified as a Variant of Uncertain Significance.